The following is an entry in ClinVar:

ClinVar aggregate classification (germline): Uncertain significance (1 of 4 stars; one submission).

Conditions:
Cardiovascular phenotype. Identifiers: MedGen CN230736.
Hereditary cancer-predisposing syndrome. Also called: Neoplastic Syndromes, Hereditary; Tumor predisposition; Hereditary Cancer Syndrome; Hereditary neoplastic syndrome. Identifiers: Orphanet 140162, MedGen C0027672, MeSH D009386, MONDO:0015356.

Submission:

Ambry Genetics
Classification: Uncertain significance for Cardiovascular phenotype; Hereditary cancer-predisposing syndrome. Last evaluated: 2017-05-11. Review status: criteria provided, single submitter. Criteria: Ambry Variant Classification Scheme 2023. Collection method: clinical testing. Allele origin: germline.
Comment: The p.L911H variant (also known as c.2732T>A), located in coding exon 21 of the NF1 gene, results from a T to A substitution at nucleotide position 2732. The leucine at codon 911 is replaced by histidine, an amino acid with similar properties. This amino acid position is highly conserved in available vertebrate species. In addition, this alteration is predicted to be deleterious by in silico analysis. Since supporting evidence is limited at this time, the clinical significance of this alteration remains unclear.

NM_001042492.3(NF1):c.2732T>A (p.Leu911His)

Gene: NF1 (neurofibromin 1; plus strand). Cytogenetic location: 17q11.2.
Variant type: single nucleotide variant.
Coding change: c.2732T>A on transcript NM_001042492.3 (MANE Select); coding-DNA position 2732, T replaced by A.
Protein change: p.Leu911His; replaces leucine 911 with histidine.
Molecular consequence: missense variant.
Genome position (GRCh38, 1-based): chr17:31,229,347, T>A. VCF-style: chr17-31229347-T-A. GRCh37 (hg19) VCF-style: chr17-29556365-T-A.
Other names: c.2732T>A, p.Leu911His (NM_000267.4); short protein forms L911H.
Identifiers: ClinVar variation 481986 (VCV000481986.5), dbSNP rs1555614315, ClinGen allele CA398985224.
Genomic context (GRCh38, chr17:31,229,347, plus strand): 5'-TCAGCAAATTTATGGATCGGCTGTTGTCCTTAATGGTGTGTAACCATGAGAAAGTGGGAC[T>A]TCAAATACGGACCAATGTTAAGGATCTGGTGGGTCTAGAATTGAGTCCTGCTCTGTATCC-3'
Protein context (NP_001035957.1, residues 901-921): LMVCNHEKVG[Leu911His]QIRTNVKDLV